The following is an entry in ClinVar:

ClinVar aggregate classification (germline): Uncertain significance (1 of 4 stars; one submission).

Allele frequency attached by ClinVar (database versions not stated): gnomAD exomes below 0.00001.
gnomAD v4.1: 3 of 1,612,656 alleles (0.00019%); highest among the groups gnomAD compares: Non-Finnish European, 0.00025%; no homozygotes.

Submission:

Labcorp Genetics (formerly Invitae), Labcorp
Classification: Uncertain significance. Last evaluated: 2023-08-10. Review status: criteria provided, single submitter. Criteria: Invitae Variant Classification Sherloc (09022015). Collection method: clinical testing. Allele origin: germline.
Comment: In summary, the available evidence is currently insufficient to determine the role of this variant in disease. Therefore, it has been classified as a Variant of Uncertain Significance. Advanced modeling of protein sequence and biophysical properties (such as structural, functional, and spatial information, amino acid conservation, physicochemical variation, residue mobility, and thermodynamic stability) has been performed at Invitae for this missense variant, however the output from this modeling did not meet the statistical confidence thresholds required to predict the impact of this variant on CACNA1E protein function. This variant has not been reported in the literature in individuals affected with CACNA1E-related conditions. This variant is not present in population databases (gnomAD no frequency). This sequence change replaces lysine, which is basic and polar, with glutamic acid, which is acidic and polar, at codon 1125 of the CACNA1E protein (p.Lys1125Glu).

NM_001205293.3(CACNA1E):c.3373A>G (p.Lys1125Glu)

Gene: CACNA1E (calcium voltage-gated channel subunit alpha1 E; plus strand). Cytogenetic location: 1q25.3.
Variant type: single nucleotide variant.
Coding change: c.3373A>G on transcript NM_001205293.3 (MANE Select); coding-DNA position 3373, A replaced by G.
Protein change: p.Lys1125Glu; replaces lysine 1125 with glutamic acid.
Molecular consequence: missense variant.
Genome position (GRCh38, 1-based): chr1:181,736,385, A>G. VCF-style: chr1-181736385-A-G. GRCh37 (hg19) VCF-style: chr1-181705521-A-G.
Other names: c.3373A>G, p.Lys1125Glu (NM_000721.4); c.3316A>G, p.Lys1106Glu (NM_001205294.2); short protein forms K1125E, K1106E.
Identifiers: ClinVar variation 2995311 (VCV002995311.3), dbSNP rs2528748772, ClinGen allele CA343621674.